The following is an entry in ClinVar:

NM_000419.5(ITGA2B):c.2153dup (p.Cys718fs)

Gene: ITGA2B (integrin subunit alpha 2b; minus strand). Cytogenetic location: 17q21.31.
Variant type: Duplication.
Coding change: c.2153dup on transcript NM_000419.5 (MANE Select); coding-DNA position 2153, one base duplicated (G; older notation c.2153dupG).
Protein change: p.Cys718fs; shifts the reading frame from cysteine 718.
Molecular consequence: frameshift variant.
Genome position (GRCh38, 1-based): chr17:44,377,732, C duplicated on the plus strand (G on the coding strand, the reverse complement: ITGA2B is on the minus strand). VCF-style (leftmost placement, unchanged base first): chr17-44377731-A-AC. GRCh37 (hg19) VCF-style: chr17-42455099-A-AC.
Other names: short protein forms C718fs.
Identifiers: ClinVar variation 953023 (VCV000953023.3), dbSNP rs2048557642, ClinGen allele CA913189170.

ClinVar aggregate classification (germline): Pathogenic (3 of 4 stars; one submission).

Conditions:
Glanzmann thrombasthenia. Also called: BLEEDING DISORDER, PLATELET-TYPE, 2; THROMBASTHENIA OF GLANZMANN AND NAEGELI; PLATELET GLYCOPROTEIN IIb-IIIa DEFICIENCY; Glanzmann's thrombasthenia; Thrombasthenia. Identifiers: Orphanet 849, MedGen C0040015, MONDO:0100326.

Submission:

ClinGen Platelet Disorders Variant Curation Expert Panel, ClinGen
Classification: Pathogenic for Glanzmann thrombasthenia. Last evaluated: 2020-09-04. Review status: reviewed by expert panel. Criteria: ClinGen Platelet ACMG Specifications v2. Collection method: curation. Allele origin: germline. Inheritance: Autosomal recessive inheritance.
Comment: The c.2153dup (p.Cys718Trpfs) frameshift variant has been reported in at least one compound heterozygous proband (PMID: 11798398) with a phenotype highly specific to GT. It is predicted to undergo NMD due to creation of a premature stop codon in exon 21. This variant is absent from controls in gnomAD, ExAC, and 1000 genomes. In summary, this variant meets criteria to be classified as Pathogenic for GT. GT-specific criteria applied: PVS1, PM2_supporting, and PP4_moderate.

Literature cited by the submitters: PubMed 11798398.